The following is an entry in ClinVar:

NM_000142.5(FGFR3):c.2114A>G (p.Lys705Arg)

Gene: FGFR3 (fibroblast growth factor receptor 3; plus strand). Cytogenetic location: 4p16.3.
Variant type: single nucleotide variant.
Coding change: c.2114A>G on transcript NM_000142.5 (MANE Select); coding-DNA position 2114, A replaced by G.
Protein change: p.Lys705Arg; replaces lysine 705 with arginine.
Molecular consequence: missense variant. On other transcripts: synonymous variant (1), non-coding transcript variant (1).
Genome position (GRCh38, 1-based): chr4:1,806,629, A>G. VCF-style: chr4-1806629-A-G. GRCh37 (hg19) VCF-style: chr4-1808356-A-G.
Other names: c.2120A>G, p.Lys707Arg (NM_001163213.2); c.2117A>G, p.Lys706Arg (NM_001354809.2); c.2046A>G, p.Gln682= (NM_001354810.2); c.1778A>G, p.Lys593Arg (NM_022965.4); short protein forms K706R, K705R, K593R, K707R.
Identifiers: ClinVar variation 3708249 (VCV003708249.3).

ClinVar aggregate classification (germline): Uncertain significance. Review status: criteria provided, multiple submitters, no conflicts (2 of 4 stars). 2 submissions from 2 submitters: Uncertain significance (2). Last evaluated 2026-06-23.

Conditions:
FGFR3-related chondrodysplasia. Identifiers: Orphanet 93420, MedGen C5681604, MONDO:0019685.

gnomAD v4.1: 12 of 1,612,898 alleles (0.00074%); highest among the groups gnomAD compares: Admixed American, 0.0083%; no homozygotes.

Submissions (2):

Genomenon, Inc
Classification: Uncertain significance for FGFR3-related chondrodysplasia. Last evaluated: 2026-06-23. Review status: criteria provided, single submitter. Criteria: Genomenon Sequence Variant Interpretation Standards - Updated. Collection method: curation. Allele origin: germline. Affected: no.
Comment: FGFR3 p.Lys705Arg (c.2114A>G) is a missense variant that changes the amino acid at codon 705 from Lysine to Arginine. This variant has been reported in the published literature (PMID:33270637). It is absent or not present at a significant frequency in gnomAD. In conclusion, we classify FGFR3 p.Lys705Arg (c.2114A>G) as a variant of uncertain significance.

Labcorp Genetics (formerly Invitae), Labcorp
Classification: Uncertain significance. Last evaluated: 2024-09-16. Review status: criteria provided, single submitter. Criteria: Invitae Variant Classification Sherloc (09022015). Collection method: clinical testing. Allele origin: germline.
Comment: This sequence change replaces lysine, which is basic and polar, with arginine, which is basic and polar, at codon 705 of the FGFR3 protein (p.Lys705Arg). This variant is present in population databases (rs369813768, gnomAD 0.004%). This variant has not been reported in the literature in individuals affected with FGFR3-related conditions. Invitae Evidence Modeling of protein sequence and biophysical properties (such as structural, functional, and spatial information, amino acid conservation, physicochemical variation, residue mobility, and thermodynamic stability) has been performed for this missense variant. However, the output from this modeling did not meet the statistical confidence thresholds required to predict the impact of this variant on FGFR3 protein function. In summary, the available evidence is currently insufficient to determine the role of this variant in disease. Therefore, it has been classified as a Variant of Uncertain Significance.

Literature cited by the submitters: PubMed 33270637 (cited by Genomenon, Inc).